The following is an entry in ClinVar:

NM_002458.3(MUC5B):c.4498A>G (p.Thr1500Ala)

Gene: MUC5B (mucin 5B, oligomeric mucus/gel-forming; plus strand). Cytogenetic location: 11p15.5.
Variant type: single nucleotide variant.
Coding change: c.4498A>G on transcript NM_002458.3 (MANE Select); coding-DNA position 4498, A replaced by G.
Protein change: p.Thr1500Ala; replaces threonine 1500 with alanine.
Molecular consequence: missense variant.
Genome position (GRCh38, 1-based): chr11:1,241,378, A>G. VCF-style: chr11-1241378-A-G. GRCh37 (hg19) VCF-style: chr11-1262608-A-G.
Other names: short protein forms T1500A.
Identifiers: ClinVar variation 4832637 (VCV004832637.1).

ClinVar aggregate classification (germline): Uncertain significance (1 of 4 stars; one submission).

gnomAD v4.1: 7 of 1,613,376 alleles (0.00043%); highest among the groups gnomAD compares: African/African-American, 0.0067%; no homozygotes.

Submission:

Ambry Genetics
Classification: Uncertain significance. Last evaluated: 2026-01-21. Review status: criteria provided, single submitter. Criteria: Ambry Variant Classification Scheme 2023. Collection method: clinical testing. Allele origin: germline.
Comment: The c.4498A>G (p.T1500A) alteration is located in exon 31 (coding exon 31) of the MUC5B gene. This alteration results from a A to G substitution at nucleotide position 4498, causing the threonine (T) at amino acid position 1500 to be replaced by an alanine (A). Based on data from gnomAD, the G allele has an overall frequency of 0.002% (5/279252) total alleles studied. The highest observed frequency was 0.013% (3/24042) of African alleles. Based on insufficient or conflicting evidence, the clinical significance of this alteration remains unclear.